The following is an entry in ClinVar:

NM_024312.5(GNPTAB):c.*323T>C

Gene: GNPTAB (N-acetylglucosamine-1-phosphate transferase subunits alpha and beta; minus strand). Cytogenetic location: 12q23.2.
Variant type: single nucleotide variant.
Coding change: c.*323T>C on transcript NM_024312.5 (MANE Select); 323 bases downstream of the stop codon, T replaced by C.
Molecular consequence: 3 prime UTR variant.
Genome position (GRCh38, 1-based): chr12:101,746,841, A>G on the plus strand (T>C on the coding strand, the complement: GNPTAB is on the minus strand). VCF-style: chr12-101746841-A-G. GRCh37 (hg19) VCF-style: chr12-102140619-A-G.
Identifiers: ClinVar variation 306788 (VCV000306788.6), dbSNP rs75757716, ClinGen allele CA10631878.

ClinVar aggregate classification (germline): Likely benign. Review status: criteria provided, multiple submitters, no conflicts (2 of 4 stars). 3 submissions from 2 submitters: Likely benign (3). Last evaluated 2017-04-27.

Conditions:
Mucolipidosis type II. Also called: Mucolipidosis II Alpha/Beta; ML II ALPHA/BETA; Mucolipidosis 2; ML 2; Inclusion cell disease; Leroy Disease. Identifiers: Orphanet 576, MedGen C2673377, MONDO:0009650, OMIM 252500.
Pseudo-Hurler polydystrophy. Also called: MUCOLIPIDOSIS IIIA; ML IIIA; Mucolipidosis III Alpha/Beta; ML III; ML III ALPHA/BETA; Type III Mucolipidosis. Identifiers: Orphanet 423461, Orphanet 577, MedGen C0033788, MONDO:0018931, OMIM 252600.

Allele frequency attached by ClinVar (database versions not stated): gnomAD exomes 0.00350; gnomAD 0.03440 and 0.03162; 1000 Genomes Project 0.03574; TOPMed 0.03634; 1000 Genomes Project 30x 0.03888.
gnomAD v4.1: 5,180 of 271,356 alleles (1.9%); highest among the groups gnomAD compares: African/African-American, 11%; 272 homozygotes.

Submissions (3):

Illumina Laboratory Services, Illumina
Classification: Likely benign for Pseudo-Hurler polydystrophy. Last evaluated: 2017-04-27. Review status: criteria provided, single submitter. Criteria: ICSL Variant Classification Criteria 13 December 2019. Collection method: clinical testing. Allele origin: germline.
Comment: This variant was observed as part of a predisposition screen in an ostensibly healthy population. A literature search was performed for the gene, cDNA change, and amino acid change (where applicable). No publications were found based on this search. Allele frequency data from public databases allowed determination this variant is unlikely to cause disease. Therefore, this variant is classified as likely benign.

Illumina Laboratory Services, Illumina
Classification: Likely benign for Mucolipidosis type II. Last evaluated: 2017-04-27. Review status: criteria provided, single submitter. Criteria: ICSL Variant Classification Criteria 13 December 2019. Collection method: clinical testing. Allele origin: germline.
Comment: the same text as in the submission from Illumina Laboratory Services, Illumina above.

Breakthrough Genomics
Classification: Likely benign. Review status: criteria provided, single submitter. Criteria: ACMG Guidelines, 2015. Collection method: not provided. Allele origin: germline. Inheritance: Autosomal recessive inheritance. Affected: yes.